The following is an entry in ClinVar:

ClinVar aggregate classification (germline): Uncertain significance (1 of 4 stars; one submission).

Conditions:
Medium-chain acyl-coenzyme A dehydrogenase deficiency (ACADMD). Also called: ACADM DEFICIENCY; MCADH DEFICIENCY; MCADD; Medium chain acyl-CoA dehydrogenase deficiency; CARNITINE DEFICIENCY SECONDARY TO MEDIUM-CHAIN ACYL-CoA DEHYDROGENASE DEFICIENCY; MCAD Deficiency. Identifiers: Orphanet 42, MedGen C0220710, MONDO:0008721, OMIM 201450.

Submission:

Labcorp Genetics (formerly Invitae), Labcorp
Classification: Uncertain significance for Medium-chain acyl-coenzyme A dehydrogenase deficiency. Last evaluated: 2026-01-19. Review status: criteria provided, single submitter. Criteria: Invitae Variant Classification Sherloc (09022015). Collection method: clinical testing. Allele origin: germline.
Comment: This sequence change replaces phenylalanine, which is neutral and non-polar, with cysteine, which is neutral and slightly polar, at codon 219 of the ACADM protein (p.Phe219Cys). This variant is not present in population databases (gnomAD no frequency). This variant has not been reported in the literature in individuals affected with ACADM-related conditions. ClinVar contains an entry for this variant (Variation ID: 1356170). Invitae Evidence Modeling of protein sequence and biophysical properties (such as structural, functional, and spatial information, amino acid conservation, physicochemical variation, residue mobility, and thermodynamic stability) indicates that this missense variant is expected to disrupt ACADM protein function with a positive predictive value of 80%. In summary, the available evidence is currently insufficient to determine the role of this variant in disease. Therefore, it has been classified as a Variant of Uncertain Significance.

NM_000016.6(ACADM):c.656T>G (p.Phe219Cys)

Gene: ACADM (acyl-CoA dehydrogenase medium chain; plus strand). Cytogenetic location: 1p31.1.
Variant type: single nucleotide variant.
Coding change: c.656T>G on transcript NM_000016.6 (MANE Select); coding-DNA position 656, T replaced by G.
Protein change: p.Phe219Cys; replaces phenylalanine 219 with cysteine.
Molecular consequence: missense variant.
Genome position (GRCh38, 1-based): chr1:75,745,862, T>G. VCF-style: chr1-75745862-T-G. GRCh37 (hg19) VCF-style: chr1-76211547-T-G.
Other names: c.668T>G, p.Phe223Cys (NM_001127328.3); c.548T>G, p.Phe183Cys (NM_001286042.2); c.755T>G, p.Phe252Cys (NM_001286043.2); c.89T>G, p.Phe30Cys (NM_001286044.2); short protein forms F183C, F252C, F219C, F223C, F30C.
Identifiers: ClinVar variation 1356170 (VCV001356170.4), dbSNP rs2100408210, ClinGen allele CA340816054.